The following is an entry in ClinVar:

NM_020774.4(MIB1):c.100G>A (p.Gly34Ser)

Gene: MIB1 (MIB E3 ubiquitin protein ligase 1; plus strand). Cytogenetic location: 18q11.2.
Variant type: single nucleotide variant.
Coding change: c.100G>A on transcript NM_020774.4 (MANE Select); coding-DNA position 100, G replaced by A.
Protein change: p.Gly34Ser; replaces glycine 34 with serine.
Molecular consequence: missense variant.
Genome position (GRCh38, 1-based): chr18:21,741,683, G>A. VCF-style: chr18-21741683-G-A. GRCh37 (hg19) VCF-style: chr18-19321644-G-A.
Other names: short protein forms G34S.
Identifiers: ClinVar variation 3365911 (VCV003365911.1).

ClinVar aggregate classification (germline): Uncertain significance (1 of 4 stars; one submission).

Submission:

GeneDx
Classification: Uncertain significance. Last evaluated: 2023-12-19. Review status: criteria provided, single submitter. Criteria: GeneDx Variant Classification Process June 2021. Collection method: clinical testing. Allele origin: germline. Affected: yes.
Comment: Not observed at significant frequency in large population cohorts (gnomAD); In silico analysis supports that this missense variant has a deleterious effect on protein structure/function; Has not been previously published as pathogenic or benign to our knowledge